The following is an entry in ClinVar:

ClinVar aggregate classification (germline): Conflicting classifications of pathogenicity. Review status: criteria provided, conflicting classifications (1 of 4 stars). 2 submissions from 2 submitters: Uncertain significance (1); Benign (1). Last evaluated 2025-12-15.

Conditions:
Cardiovascular phenotype. Identifiers: MedGen CN230736.
Long QT syndrome (LQTS). Identifiers: MedGen C0023976, MeSH D008133, MONDO:0002442. Disease mechanism: loss of function. Inheritance: Various modes of inheritance.

Allele frequency attached by ClinVar (database versions not stated): gnomAD 0.00001; TOPMed 0.00002.
gnomAD v4.1: 37 of 1,613,954 alleles (0.0023%); highest among the groups gnomAD compares: Non-Finnish European, 0.0031%; no homozygotes.

Submissions (2):

Labcorp Genetics (formerly Invitae), Labcorp
Classification: Benign for Long QT syndrome. Last evaluated: 2025-12-15. Review status: criteria provided, single submitter. Criteria: Invitae Variant Classification Sherloc (09022015). Collection method: clinical testing. Allele origin: germline.

Ambry Genetics
Classification: Uncertain significance for Cardiovascular phenotype. Last evaluated: 2022-07-05. Review status: criteria provided, single submitter. Criteria: Ambry Variant Classification Scheme 2023. Collection method: clinical testing. Allele origin: germline.
Comment: The p.Q378P variant (also known as c.1133A>C), located in coding exon 2 of the KCNJ5 gene, results from an A to C substitution at nucleotide position 1133. The glutamine at codon 378 is replaced by proline, an amino acid with similar properties. This alteration has been reported in a sudden unexplained death cohort (Shanks GW et al. Circ Cardiovasc Genet, 2017 Oct;10:[ePub ahead of print]). This amino acid position is not well conserved in available vertebrate species. In addition, this alteration is predicted to be tolerated by in silico analysis. Since supporting evidence is limited at this time, the clinical significance of this alteration remains unclear.

Literature cited by the submitters: PubMed 28986455 (cited by Ambry Genetics).

NM_000890.5(KCNJ5):c.1133A>C (p.Gln378Pro)

Gene: KCNJ5 (potassium inwardly rectifying channel subfamily J member 5; plus strand). Cytogenetic location: 11q24.3.
Variant type: single nucleotide variant.
Coding change: c.1133A>C on transcript NM_000890.5 (MANE Select); coding-DNA position 1133, A replaced by C.
Protein change: p.Gln378Pro; replaces glutamine 378 with proline.
Molecular consequence: missense variant.
Genome position (GRCh38, 1-based): chr11:128,916,604, A>C. VCF-style: chr11-128916604-A-C. GRCh37 (hg19) VCF-style: chr11-128786499-A-C.
Other names: c.1133A>C, p.Gln378Pro (NM_001354169.2); short protein forms Q378P.
Identifiers: ClinVar variation 701134 (VCV000701134.10), dbSNP rs544093099, ClinGen allele CA383235990.